The following is an entry in ClinVar:

ClinVar aggregate classification (germline): Uncertain significance (1 of 4 stars; one submission).

gnomAD v4.1: 2 of 1,613,592 alleles (0.00012%); highest among the groups gnomAD compares: Non-Finnish European, 0.00017%; no homozygotes.

Submission:

Ambry Genetics
Classification: Uncertain significance. Last evaluated: 2024-07-02. Review status: criteria provided, single submitter. Criteria: Ambry Variant Classification Scheme 2023. Collection method: clinical testing. Allele origin: germline.
Comment: The c.1458C>G (p.H486Q) alteration is located in exon (coding exon ) of the SH3RF3 gene. This alteration results from a C to G substitution at nucleotide position 1458, causing the histidine (H) at amino acid position 486 to be replaced by a glutamine (Q). Based on insufficient or conflicting evidence, the clinical significance of this alteration remains unclear.

NM_001099289.3(SH3RF3):c.1458C>G (p.His486Gln)

Genes: RANBP2 (RAN binding protein 2; plus strand), SH3RF3 (SH3 domain containing ring finger 3; plus strand). Cytogenetic location: 2q13.
Variant type: single nucleotide variant.
Coding change: c.1458C>G on transcript NM_001099289.3 (MANE Select); coding-DNA position 1458, C replaced by G.
Protein change: p.His486Gln; replaces histidine 486 with glutamine.
Molecular consequence: missense variant.
Genome position (GRCh38, 1-based): chr2:109,432,555, C>G. VCF-style: chr2-109432555-C-G. GRCh37 (hg19) VCF-style: chr2-110049011-C-G.
Other names: short protein forms H486Q.
Identifiers: ClinVar variation 3441121 (VCV003441121.1).